The following is an entry in ClinVar:

ClinVar aggregate classification (germline): Likely pathogenic. Review status: criteria provided, single submitter (1 of 4 stars). 2 submissions from 2 submitters: Likely pathogenic (1). 1 of the submissions does not count toward it. Last evaluated 2025-09-02.

Conditions:
Deficiency of alpha-mannosidase (MANSA). Also called: Mannosidosis, alpha-, types I and II; Alpha-Mannosidosis; LYSOSOMAL ALPHA-D-MANNOSIDASE DEFICIENCY. Identifiers: Orphanet 61, MedGen C0024748, MONDO:0009561, OMIM 248500.

Allele frequency attached by ClinVar (database versions not stated): gnomAD exomes below 0.00001.
gnomAD v4.1: 2 of 1,558,668 alleles (0.00013%); highest among the groups gnomAD compares: African/African-American, 0.0014%; no homozygotes.

Submissions (2):

Labcorp Genetics (formerly Invitae), Labcorp
Classification: Likely pathogenic for Deficiency of alpha-mannosidase. Last evaluated: 2025-09-02. Review status: criteria provided, single submitter. Criteria: Invitae Variant Classification Sherloc (09022015). Collection method: clinical testing. Allele origin: germline.
Comment: This sequence change affects an acceptor splice site in intron 10 of the MAN2B1 gene. It is expected to disrupt RNA splicing. Variants that disrupt the donor or acceptor splice site typically lead to a loss of protein function (PMID: 16199547), and loss-of-function variants in MAN2B1 are known to be pathogenic (PMID: 9915946, 22161967). This variant is not present in population databases (gnomAD no frequency). This variant has not been reported in the literature in individuals affected with MAN2B1-related conditions. ClinVar contains an entry for this variant (Variation ID: 557915). Algorithms developed to predict the effect of sequence changes on RNA splicing suggest that this variant may disrupt the consensus splice site. In summary, the currently available evidence indicates that the variant is pathogenic, but additional data are needed to prove that conclusively. Therefore, this variant has been classified as Likely Pathogenic.

Counsyl
Classification: Likely pathogenic for Deficiency of alpha-mannosidase. Last evaluated: 2018-04-17. Review status: no assertion criteria provided. Collection method: clinical testing. Allele origin: unknown. Not counted in ClinVar's aggregate classification.

Literature cited by the submitters: PubMed 16199547 (cited by Labcorp Genetics (formerly Invitae), Labcorp); PubMed 9915946 (cited by Labcorp Genetics (formerly Invitae), Labcorp); PubMed 22161967 (cited by Labcorp Genetics (formerly Invitae), Labcorp).

NM_000528.4(MAN2B1):c.1310-1G>A

Gene: MAN2B1 (mannosidase alpha class 2B member 1; minus strand). Cytogenetic location: 19p13.13.
Variant type: single nucleotide variant.
Coding change: c.1310-1G>A on transcript NM_000528.4 (MANE Select); the canonical splice acceptor site of the intron before coding-DNA position 1310, G replaced by A.
Molecular consequence: splice acceptor variant.
Genome position (GRCh38, 1-based): chr19:12,657,556, C>T on the plus strand (G>A on the coding strand, the complement: MAN2B1 is on the minus strand). VCF-style: chr19-12657556-C-T. GRCh37 (hg19) VCF-style: chr19-12768370-C-T.
Other names: c.1307-1G>A (NM_001173498.2).
Identifiers: ClinVar variation 557915 (VCV000557915.9), dbSNP rs1555708156, ClinGen allele CA404247077.